The following is an entry in ClinVar:

ClinVar aggregate classification (germline): Conflicting classifications of pathogenicity. Review status: criteria provided, conflicting classifications (1 of 4 stars). 14 submissions from 12 submitters: Pathogenic (1); Uncertain significance (1); Benign (6). 6 of the submissions do not count toward it. Last evaluated 2026-02-03.

Conditions:
SKIN/HAIR/EYE PIGMENTATION, VARIATION IN, 2 (SHEP2). Also called: HAIR COLOR 2; RED HAIR COLOR; BLOND HAIR/FAIR SKIN. Identifiers: MedGen C1849452, OMIM 266300.
ALBINISM, OCULOCUTANEOUS, TYPE II, MODIFIER OF. Identifiers: MedGen C1835054.
Skin/hair/eye pigmentation 2, red hair/fair skin. Identifiers: MedGen C4016260.
Melanoma, cutaneous malignant, susceptibility to, 5. Also called: Cutaneous malignant melanoma 5. Identifiers: Orphanet 618, MedGen C2751295, MONDO:0013133, OMIM 613099.
Increased analgesia from kappa-opioid receptor agonist, female-specific. Identifiers: MedGen C2751296, OMIM 613098.

Allele frequency attached by ClinVar (database versions not stated): 1000 Genomes Project 0.01857; 1000 Genomes Project 30x 0.01874; TOPMed 0.04343; gnomAD exomes 0.04416 and 0.07845; ExAC 0.04488; gnomAD 0.04649 and 0.04832.

Submissions (14):

Labcorp Genetics (formerly Invitae), Labcorp
Classification: Benign for Melanoma, cutaneous malignant, susceptibility to, 5. Last evaluated: 2026-02-03. Review status: criteria provided, single submitter. Criteria: Invitae Variant Classification Sherloc (09022015). Collection method: clinical testing. Allele origin: germline.

Medical Genetics, Medical University Pleven
Classification: Pathogenic for SKIN/HAIR/EYE PIGMENTATION, VARIATION IN, 2. Last evaluated: 2025-10-01. Review status: criteria provided, single submitter. Criteria: ACMG Guidelines, 2015. Collection method: clinical testing. Allele origin: germline. Inheritance: Autosomal recessive inheritance. Affected: yes. Observed: 1 compound heterozygote.
Comment: MC1R variants are typically categorized into two groups: low-penetrance alleles (denoted as “r”) and high-penetrance alleles (“R”) in relation to their association with red hair color and melanoma risk. Common “r” alleles include Val60Leu, Val92Met, and Arg163Gln, while “R” alleles—such as Asp84Glu, Arg142His, Arg151Cys, Ile155Thr, Arg160Trp, and Asp294His—are more strongly associated with phenotypic traits and increased susceptibility to skin malignancies [PMID: 20374712,PMID: 24921092].

Blueprint Genetics
Classification: Benign. Last evaluated: 2024-11-27. Review status: criteria provided, single submitter. Criteria: ACMG Guidelines, 2015. Collection method: clinical testing. Allele origin: germline.

Mayo Clinic Laboratories, Mayo Clinic
Classification: Uncertain significance. Last evaluated: 2022-07-21. Review status: criteria provided, single submitter. Criteria: ACMG Guidelines, 2015. Collection method: clinical testing. Allele origin: germline. Observed: 19 variant alleles.
Comment: PS3_supporting, PS4_moderate

Illumina Laboratory Services, Illumina
Classification: Benign for Melanoma, cutaneous malignant, susceptibility to, 5. Last evaluated: 2018-03-06. Review status: criteria provided, single submitter. Criteria: ICSL Variant Classification Criteria 13 December 2019. Collection method: clinical testing. Allele origin: germline.
Comment: This variant was observed in the ICSL laboratory as part of a predisposition screen in an ostensibly healthy population. It had not been previously curated by ICSL or reported in the Human Gene Mutation Database (HGMD: prior to June 1st, 2018), and was therefore a candidate for classification through an automated scoring system. Utilizing variant allele frequency, disease prevalence and penetrance estimates, and inheritance mode, an automated score was calculated to assess if this variant is too frequent to cause the disease. Based on the score and internal cut-off values, a variant classified as benign is not then subjected to further curation. The score for this variant resulted in a classification of benign for this disease.

GeneDx
Classification: Benign. Last evaluated: 2018-01-04. Review status: criteria provided, single submitter. Criteria: GeneDx Variant Classification Process June 2021. Collection method: clinical testing. Allele origin: germline. Affected: yes.
Comment: Published functional studies demonstrate a dominant negative effect on expression, which results in a decrease in the receptor's ability to elevate intracellular cAMP levels and a complete loss of receptor function at the cell surface (Beaumont et al., 2007; Sanchez-Laorden et al., 2009); This variant is associated with the following publications: (PMID: 23392294, 19799798, 19452503, 19924138, 10403794, 24665948, 23522749, 19269164, 24660985, 11875032, 24081230, 18366057, 22572819, 20876876, 19656326, 17616515, 9571181, 9302268, 11179997, 26103569, 27251790, 23647022, 24335900, 30531825, 31382929, 30414346, 14709592, 27924526, 11500805, 11500806)

Breakthrough Genomics
Classification: Benign. Review status: criteria provided, single submitter. Criteria: ACMG Guidelines, 2015. Collection method: not provided. Allele origin: germline. Inheritance: Autosomal recessive inheritance. Affected: yes.

PreventionGenetics, part of Exact Sciences
Classification: Benign. Review status: criteria provided, single submitter. Criteria: ACMG Guidelines, 2015. Collection method: clinical testing. Allele origin: germline.

OMIM
Classification: association for SKIN/HAIR/EYE PIGMENTATION 2, RED HAIR/FAIR SKIN. Last evaluated: 2015-05-01. Review status: no assertion criteria provided. Collection method: literature only. Allele origin: germline. Not counted in ClinVar's aggregate classification.

OMIM
Classification: Affects for INCREASED ANALGESIA FROM KAPPA-OPIOID RECEPTOR AGONIST, FEMALE-SPECIFIC. Last evaluated: 2015-05-01. Review status: no assertion criteria provided. Collection method: literature only. Allele origin: germline. Not counted in ClinVar's aggregate classification.

OMIM
Classification: risk factor for OCULOCUTANEOUS ALBINISM, TYPE II, MODIFIER OF. Last evaluated: 2015-05-01. Review status: no assertion criteria provided. Collection method: literature only. Allele origin: germline. Not counted in ClinVar's aggregate classification.

Clinical Genetics, Academic Medical Center
Classification: Benign. Review status: no assertion criteria provided. Collection method: clinical testing. Allele origin: germline. Affected: yes. Study: VKGL Data-share Consensus. Not counted in ClinVar's aggregate classification.

Department of Pathology and Laboratory Medicine, Sinai Health System
Classification: Likely benign. Review status: no assertion criteria provided. Collection method: clinical testing. Allele origin: unknown. Affected: yes. Study: The Canadian Open Genetics Repository (COGR). Not counted in ClinVar's aggregate classification.
Comment: The MC1R p.(Arg151Cys) variant was not identified in the Cosmic or MutDB databases however it was identified in dbSNP (ID: rs1805007) as we all as ClinVar (reported as benign by Prevention Genetics and by Invitae for Cutaneous malignant melanoma 5, reported as pathogenic by GeneDx and reported as likely benign by Illumina for Malignant Melanoma Susceptibility), Clinvitae and LOVD 3.0. The variant was identified in control databases in 12284 of 274116 chromosomes (466 homozygous) at a frequency of 0.044813 increasing the likelihood this could be a low frequency benign variant (Genome Aggregation Database Feb 27, 2017). The variant was observed in the following populations: European (non-Finnish) in 9141 of 127252 chromosomes (freq: 0.07183), European (Finnish) in 1376 of 19504 chromosomes (freq: 0.07055), Ashkenazi Jewish in 670 of 10300 chromosomes (freq: 0.06505), other in 302 of 7104 chromosomes (freq: 0.04251), African in 333 of 24564 chromosomes (freq: 0.01356), Latino in 338 of 35330 chromosomes (freq: 0.009567), South Asian in 111 of 30564 chromosomes (freq: 0.003632) and East Asian in 13 of 19498 chromosomes (freq: 0.000667). This variant has been found through genome wide association studies to be associated with an increased risk of skin cancer (Tagliabue_2015_26103569). The p.Arg151 residue is conserved across mammals and other organisms, and four out of five computational analyses (PolyPhen-2, SIFT, AlignGVGD, BLOSUM) suggest that the R variant may impact the protein; however, this information is not predictive enough to assume pathogenicity. In summary, based on the above information the clinical significance of this variant cannot be determined with certainty at this time although we would lean towards a more benign role for this variant. This variant is classified as likely benign. References: Tagliabue, Elena, et al. "MC1R gene variants and non-melanoma skin cancer: a pooled-analysis from the M-SKIP project." British journal of cancer 113.2 (2015): 354.

Laboratory of Diagnostic Genome Analysis, Leiden University Medical Center (LUMC)
Classification: Likely benign. Review status: no assertion criteria provided. Collection method: clinical testing. Allele origin: germline. Affected: yes. Study: VKGL Data-share Consensus. Not counted in ClinVar's aggregate classification.

Literature cited by the submitters: DOI 10.1086/319500 (cited by Medical Genetics, Medical University Pleven); PubMed 18366057 (cited by Mayo Clinic Laboratories, Mayo Clinic); PubMed 9571181 (cited by OMIM); Mogil, J. S. Personal Communication. 2003. Montreal, Canada (cited by OMIM); PubMed 15994880 (cited by OMIM); PubMed 12876664 (cited by OMIM); PubMed 16463023 (cited by OMIM); PubMed 17952075 (cited by OMIM); PubMed 19194882 (cited by OMIM); PubMed 24439955 (cited by OMIM); PubMed 25631192 (cited by OMIM).

NM_002386.4(MC1R):c.451C>T (p.Arg151Cys)

Gene: MC1R (melanocortin 1 receptor; plus strand). Cytogenetic location: 16q24.3.
Variant type: single nucleotide variant.
Coding change: c.451C>T on transcript NM_002386.4 (MANE Select); coding-DNA position 451, C replaced by T.
Protein change: p.Arg151Cys; replaces arginine 151 with cysteine.
Molecular consequence: missense variant.
Genome position (GRCh38, 1-based): chr16:89,919,709, C>T. VCF-style: chr16-89919709-C-T. GRCh37 (hg19) VCF-style: chr16-89986117-C-T.
Other names: short protein forms R151C.
Identifiers: ClinVar variation 14312 (VCV000014312.23), dbSNP rs1805007, ClinGen allele CA123871.